The following is an entry in ClinVar:

ClinVar aggregate classification (germline): Uncertain significance. Review status: criteria provided, multiple submitters, no conflicts (2 of 4 stars). 2 submissions from 2 submitters: Uncertain significance (2). Last evaluated 2024-12-14.

Conditions:
Inborn genetic diseases. Identifiers: MedGen C0950123, MeSH D030342.
Palatal anomalies-widely spaced teeth-facial dysmorphism-developmental delay syndrome. Also called: Cleft palate, psychomotor retardation, and distinctive facial features. Identifiers: Orphanet 477993, MedGen C4225229, MONDO:0014751, OMIM 616728.

Allele frequency attached by ClinVar (database versions not stated): gnomAD exomes below 0.00001; gnomAD 0.00001.

Submissions (2):

Ambry Genetics
Classification: Uncertain significance for Inborn genetic diseases. Last evaluated: 2024-12-14. Review status: criteria provided, single submitter. Criteria: Ambry Variant Classification Scheme 2023. Collection method: clinical testing. Allele origin: germline.
Comment: The p.P71S variant (also known as c.211C>T), located in coding exon 1 of the KDM1A gene, results from a C to T substitution at nucleotide position 211. The proline at codon 71 is replaced by serine, an amino acid with similar properties. This amino acid position is conserved. In addition, this alteration is predicted to be tolerated by in silico analysis. Based on the available evidence, the clinical significance of this variant remains unclear.

Victorian Clinical Genetics Services, Murdoch Childrens Research Institute
Classification: Uncertain significance for Palatal anomalies-widely spaced teeth-facial dysmorphism-developmental delay syndrome. Last evaluated: 2022-09-02. Review status: criteria provided, single submitter. Criteria: ACMG Guidelines, 2015. Collection method: clinical testing. Allele origin: germline. Inheritance: Autosomal dominant inheritance. Affected: yes.
Comment: Based on the classification scheme VCGS_Germline_v1.3.4, this variant is classified as VUS-3B. Following criteria are met: 0102 - Loss of function is a known mechanism of disease in this gene and is associated with cleft palate, psychomotor retardation, and distinctive facial features (MIM#616728). (I) 0107 - This gene is associated with autosomal dominant disease. (I) 0200 - Variant is predicted to result in a missense amino acid change from proline to serine. (I) 0251 - This variant is heterozygous. (I) 0302 - Variant is present in gnomAD (v3) <0.001 for a dominant condition (1 heterozygote, 0 homozygotes). (SP) 0309 - An alternative amino acid change at the same position has been observed in gnomAD (v3) (2 heterozygotes, 0 homozygotes). (I) 0503 - Missense variant consistently predicted to be tolerated by multiple in silico tools or not conserved in placental mammals with a minor amino acid change. (SB) 0604 - Variant is not located in an established domain, motif, hotspot or informative constraint region. (I) 0705 - No comparable missense variants have previous evidence for pathogenicity. (I) 0807 - This variant has no previous evidence of pathogenicity. (I) 0905 - No published segregation evidence has been identified for this variant. (I) 1007 - No published functional evidence has been identified for this variant. (I) 1208 - Inheritance information for this variant is not currently available in this individual. (I) Legend: (SP) - Supporting pathogenic, (I) - Information, (SB) - Supporting benign

NM_001009999.3(KDM1A):c.211C>T (p.Pro71Ser)

Gene: KDM1A (lysine demethylase 1A; plus strand). Cytogenetic location: 1p36.12.
Variant type: single nucleotide variant.
Coding change: c.211C>T on transcript NM_001009999.3 (MANE Select); coding-DNA position 211, C replaced by T.
Protein change: p.Pro71Ser; replaces proline 71 with serine.
Molecular consequence: missense variant.
Genome position (GRCh38, 1-based): chr1:23,019,807, C>T. VCF-style: chr1-23019807-C-T. GRCh37 (hg19) VCF-style: chr1-23346300-C-T.
Other names: c.211C>T, p.Pro71Ser (NM_001363654.2, NM_001410762.1, NM_001410763.1 and 1 more transcripts); short protein forms P71S.
Identifiers: ClinVar variation 1805983 (VCV001805983.2), dbSNP rs777019410, ClinGen allele CA338951609.